The following is an entry in ClinVar:

ClinVar aggregate classification (germline): Conflicting classifications of pathogenicity. Review status: criteria provided, conflicting classifications (1 of 4 stars). 3 submissions from 3 submitters: Uncertain significance (2); Likely benign (1). Last evaluated 2023-03-23.

Conditions:
Hereditary cancer-predisposing syndrome. Also called: Tumor predisposition; Neoplastic Syndromes, Hereditary; Hereditary neoplastic syndrome; Hereditary Cancer Syndrome. Identifiers: Orphanet 140162, MedGen C0027672, MeSH D009386, MONDO:0015356.

Submissions (3):

University of Washington Department of Laboratory Medicine, University of Washington
Classification: Likely benign for Hereditary cancer-predisposing syndrome. Last evaluated: 2023-03-23. Review status: criteria provided, single submitter. Criteria: Dines et al. (Genet Med. 2020). Collection method: curation. Allele origin: germline.
Comment: Missense variant in a coldspot region where missense variants are very unlikely to be pathogenic (PMID:31911673).

BRCA1 coldspot (exon 11 using historical exon numbering). Reclassification based on statistical prior probability

Ambry Genetics
Classification: Uncertain significance for Hereditary cancer-predisposing syndrome. Last evaluated: 2020-04-15. Review status: criteria provided, single submitter. Criteria: Ambry Variant Classification Scheme 2023. Collection method: clinical testing. Allele origin: germline.
Comment: The p.S1280P variant (also known as c.3838T>C), located in coding exon 9 of the BRCA1 gene, results from a T to C substitution at nucleotide position 3838. The serine at codon 1280 is replaced by proline, an amino acid with similar properties. This amino acid position is well conserved in available vertebrate species. In addition, the in silico prediction for this alteration is inconclusive. Since supporting evidence is limited at this time, the clinical significance of this alteration remains unclear.

Color Diagnostics, LLC DBA Color Health
Classification: Uncertain significance for Hereditary cancer-predisposing syndrome. Last evaluated: 2019-03-14. Review status: criteria provided, single submitter. Criteria: ACMG Guidelines, 2015. Collection method: clinical testing. Allele origin: germline.

NM_007294.4(BRCA1):c.3838T>C (p.Ser1280Pro)

Genes: BRCA1 (BRCA1 DNA repair associated; minus strand), LOC126862571 (BRD4-independent group 4 enhancer GRCh37_chr17:41243136-41244335; plus strand). Cytogenetic location: 17q21.31.
Variant type: single nucleotide variant.
Coding change: c.3838T>C on transcript NM_007294.4 (MANE Select); coding-DNA position 3838, T replaced by C.
Protein change: p.Ser1280Pro; replaces serine 1280 with proline.
Molecular consequence: missense variant. On other transcripts: intron variant (135).
Genome position (GRCh38, 1-based): chr17:43,091,693, A>G on the plus strand (T>C on the coding strand, the complement: BRCA1 is on the minus strand). VCF-style: chr17-43091693-A-G. GRCh37 (hg19) VCF-style: chr17-41243710-A-G.
Other names: c.3712T>C, p.Ser1238Pro (NM_001407686.1, NM_001407687.1, NM_001407688.1 and 11 more transcripts); c.3697T>C, p.Ser1233Pro (NM_001407692.1, NM_001407694.1, NM_001407695.1 and 29 more transcripts); c.3694T>C, p.Ser1232Pro (NM_001407740.1, NM_001407741.1, NM_001407742.1 and 20 more transcripts); c.3625T>C, p.Ser1209Pro (NM_001407853.1, NM_001407894.1, NM_001407895.1 and 9 more transcripts); c.3838T>C, p.Ser1280Pro (NM_001407854.1, NM_001407858.1, NM_001407859.1 and 30 more transcripts); c.3835T>C, p.Ser1279Pro (NM_001407860.1, NM_001407861.1, NM_001407587.1 and 22 more transcripts); c.3637T>C, p.Ser1213Pro (NM_001407862.1); c.3715T>C, p.Ser1239Pro (NM_001407863.1, NM_001407919.1, NM_001407937.1 and 19 more transcripts); and 41 more; short protein forms S1280P, S1233P, S1192P, S1213P, S1254P, S1112P, S1168P, S1169P.
Identifiers: ClinVar variation 631163 (VCV000631163.8), dbSNP rs1567789887, ClinGen allele CA10594290.